The following is an entry in ClinVar:

NM_001242882.2(NAXD):c.840-36del

Gene: NAXD (NAD(P)HX dehydratase; plus strand). Cytogenetic location: 13q34.
Variant type: Deletion.
Coding change: c.840-36del on transcript NM_001242882.2 (MANE Select); 36 bases into the intron before coding-DNA position 840, one base deleted (A; older notation c.840-36delA).
Molecular consequence: intron variant. On other transcripts: frameshift variant (1).
Genome position (GRCh38, 1-based): chr13:110,638,342, A deleted. VCF-style (leftmost placement, unchanged base first): chr13-110638341-CA-C. GRCh37 (hg19) VCF-style: chr13-111290688-CA-C.
Other names: c.994del, p.Thr332fs (NM_018210.4); c.564-36del (NM_001242883.2); c.894-36del (NM_001242881.2); short protein forms T332fs.
Identifiers: ClinVar variation 4849672 (VCV004849672.1).
Genomic context (GRCh38, chr13:110,638,341, plus strand): 5'-GATTGAAACAGGAGTCAAAACCAGAGCCCAGGGTAGCTGCGGCCCCCGGACCACGACGCC[CA>C]CTTCCCCACACCTCCTGCTGTCCCCCTCTCCGCAGGTCCAGCCCTCTCCTGGTGGCCGCG-3'

ClinVar aggregate classification (germline): Likely pathogenic (1 of 4 stars; one submission).

Conditions:
NAD(P)HX dehydratase deficiency. Also called: Encephalopathy, progressive, early-onset, with brain edema and/or leukoencephalopathy, 2. Identifiers: Orphanet 555402, MedGen C5193026, MONDO:0034121, OMIM 618321.

Submission:

Diagnostics Services (NGS), CSIR - Centre For Cellular And Molecular Biology
Classification: Likely pathogenic for NAD(P)HX dehydratase deficiency. Last evaluated: 2025-11-28. Review status: criteria provided, single submitter. Criteria: ACMG Guidelines, 2015. Collection method: clinical testing. Allele origin: germline. Affected: no. Observed: 2 variant alleles, 2 heterozygotes.
Comment: The c.994del variant is not present in publicly available population databases like 1000 Genomes, EVS, gnomAD, Indian Exome Database and our internal database. This variant has neither been published in the literature for NAXD-related conditions nor reported to clinical databases like Human Genome Mutation database (HGMD), OMIM, or ClinVar, in any affected individuals. In-silico pathogenicity prediction programs like MutationTaster2, CADD, Franklin, Varsome etc predicted this variant to be likely deleterious. This variant causes frameshift at the 332nd amino acid position of the wild-type transcript that creates a premature translational stop signal at the altered transcript that may result in translation of a truncated protein however not predicted to cause nonsense mediated decay of the mRNA. This variant was identified in a couple as a part of carrier screening.